The following is an entry in ClinVar:

NM_005188.4(CBL):c.292A>G (p.Ile98Val)

Gene: CBL (Cbl proto-oncogene; plus strand). Cytogenetic location: 11q23.3.
Variant type: single nucleotide variant.
Coding change: c.292A>G on transcript NM_005188.4 (MANE Select); coding-DNA position 292, A replaced by G.
Protein change: p.Ile98Val; replaces isoleucine 98 with valine.
Molecular consequence: missense variant.
Genome position (GRCh38, 1-based): chr11:119,232,544, A>G. VCF-style: chr11-119232544-A-G. GRCh37 (hg19) VCF-style: chr11-119103254-A-G.
Other names: short protein forms I98V.
Identifiers: ClinVar variation 477711 (VCV000477711.8), dbSNP rs1415440583, ClinGen allele CA382894632.
Genomic context (GRCh38, chr11:119,232,544, plus strand): 5'-AAGAATAGCCCACCTTATATCTTAGACCTGCTACCAGATACCTACCAGCATCTCCGTACT[A>G]TCTTGTCAAGATATGAGGGGAAGATGGAGACACTTGGAGAAAATGAGTATTTTAGGGTGT-3'
Protein context (NP_005179.2, residues 88-108): LPDTYQHLRT[Ile98Val]LSRYEGKMET

ClinVar aggregate classification (germline): Uncertain significance (1 of 4 stars; one submission).

Conditions:
RASopathy. Also called: rasopathies; Noonan spectrum disorder. Identifiers: Orphanet 536391, MedGen C5555857, MONDO:0021060.

Allele frequency attached by ClinVar (database versions not stated): gnomAD exomes below 0.00001; TOPMed below 0.00001; gnomAD 0.00001.
gnomAD v4.1: 3 of 1,614,042 alleles (0.00019%); highest among the groups gnomAD compares: African/African-American, 0.0013%; no homozygotes.

Submission:

Labcorp Genetics (formerly Invitae), Labcorp
Classification: Uncertain significance for RASopathy. Last evaluated: 2017-06-21. Review status: criteria provided, single submitter. Criteria: Invitae Variant Classification Sherloc (09022015). Collection method: clinical testing. Allele origin: germline.
Comment: In summary, this variant has uncertain impact on CBL function. The available evidence is currently insufficient to determine its role in disease. Therefore, it has been classified as a Variant of Uncertain Significance. Algorithms developed to predict the effect of missense changes on protein structure and function output the following: SIFT: "Tolerated"; PolyPhen-2: "Benign"; Align-GVGD: "Class C0". The valine amino acid residue is found in multiple mammalian species, suggesting that this missense change does not adversely affect protein function. These predictions have not been confirmed by published functional studies and their clinical significance is uncertain. This variant has not been reported in the literature in individuals with a CBL-related disease. This variant is not present in population databases (ExAC no frequency). This sequence change replaces isoleucine with valine at codon 98 of the CBL protein (p.Ile98Val). The isoleucine residue is highly conserved and there is a small physicochemical difference between isoleucine and valine.